The following is an entry in ClinVar:

ClinVar aggregate classification (germline): Likely pathogenic (1 of 4 stars; one submission).

gnomAD v4.1: 74 of 1,612,564 alleles (0.0046%); highest among the groups gnomAD compares: Non-Finnish European, 0.0062%; no homozygotes.

Submission:

GeneDx
Classification: Likely pathogenic. Last evaluated: 2025-12-23. Review status: criteria provided, single submitter. Criteria: GeneDx Variant Classification Process June 2021. Collection method: clinical testing. Allele origin: germline.
Comment: Canonical splice site variant predicted to result in an in-frame loss of the adjacent exon in a gene for which loss of function is a known mechanism of disease; Not observed at significant frequency in large population cohorts (gnomAD); Has not been previously published as pathogenic or benign to our knowledge

NM_020158.4(EXOSC5):c.525+1G>A

Gene: EXOSC5 (exosome component 5; minus strand). Cytogenetic location: 19q13.2.
Variant type: single nucleotide variant.
Coding change: c.525+1G>A on transcript NM_020158.4 (MANE Select); the canonical splice donor site of the intron after coding-DNA position 525, G replaced by A.
Molecular consequence: splice donor variant.
Genome position (GRCh38, 1-based): chr19:41,389,764, C>T on the plus strand (G>A on the coding strand, the complement: EXOSC5 is on the minus strand). VCF-style: chr19-41389764-C-T. GRCh37 (hg19) VCF-style: chr19-41895669-C-T.
Identifiers: ClinVar variation 3359747 (VCV003359747.2).
Genomic context (GRCh38, chr19:41,389,764, plus strand): 5'-GAGGAAGGGACGGGCAGCTGTCTGGCCTCTGCCCTTCAGCCACCCTGGTCTTCACACCTA[C>T]CTTTTCTTGCTTGGATGTAGGATCCAGCACGAGGGTCCCATCAGAGTCCAGGGCGCAGGC-3'